The following is an entry in ClinVar:

ClinVar aggregate classification (germline): Uncertain significance (1 of 4 stars; one submission).

Conditions:
Charcot-Marie-Tooth disease axonal type 2O. Also called: CHARCOT-MARIE-TOOTH NEUROPATHY, AXONAL, TYPE 2O; CHARCOT-MARIE-TOOTH DISEASE, AXONAL, AUTOSOMAL DOMINANT, TYPE 2O; Charcot-Marie-Tooth Neuropathy Type 2O; Charcot-Marie-Tooth disease, axonal, type 20. Identifiers: Orphanet 284232, MedGen C3280220, MONDO:0013644, OMIM 614228.

gnomAD v4.1: 1 of 1,614,228 alleles (0.000062%); highest among the groups gnomAD compares: Non-Finnish European, 0.000085%; no homozygotes.

Submission:

Labcorp Genetics (formerly Invitae), Labcorp
Classification: Uncertain significance for Charcot-Marie-Tooth disease axonal type 2O. Last evaluated: 2024-10-30. Review status: criteria provided, single submitter. Criteria: Invitae Variant Classification Sherloc (09022015). Collection method: clinical testing. Allele origin: germline.
Comment: This sequence change replaces valine, which is neutral and non-polar, with leucine, which is neutral and non-polar, at codon 823 of the DYNC1H1 protein (p.Val823Leu). This variant is not present in population databases (gnomAD no frequency). This missense change has been observed in individual(s) with DYNC1H1-related conditions (PMID: 28325891, 28714951, 31785789, 31981491). Invitae Evidence Modeling of protein sequence and biophysical properties (such as structural, functional, and spatial information, amino acid conservation, physicochemical variation, residue mobility, and thermodynamic stability) indicates that this missense variant is not expected to disrupt DYNC1H1 protein function with a negative predictive value of 95%. In summary, the available evidence is currently insufficient to determine the role of this variant in disease. Therefore, it has been classified as a Variant of Uncertain Significance.

Literature cited by the submitters: PubMed 28325891; PubMed 28714951; PubMed 31785789; PubMed 31981491.

NM_001376.5(DYNC1H1):c.2467G>C (p.Val823Leu)

Gene: DYNC1H1 (dynein cytoplasmic 1 heavy chain 1; plus strand). Cytogenetic location: 14q32.31.
Variant type: single nucleotide variant.
Coding change: c.2467G>C on transcript NM_001376.5 (MANE Select); coding-DNA position 2467, G replaced by C.
Protein change: p.Val823Leu; replaces valine 823 with leucine.
Molecular consequence: missense variant.
Genome position (GRCh38, 1-based): chr14:101,986,692, G>C. VCF-style: chr14-101986692-G-C. GRCh37 (hg19) VCF-style: chr14-102453029-G-C.
Other names: short protein forms V823L.
Identifiers: ClinVar variation 3672608 (VCV003672608.2).